The following is an entry in ClinVar:

NM_001429.4(EP300):c.*47_*49del

Gene: EP300 (EP300 lysine acetyltransferase; plus strand). Cytogenetic location: 22q13.2.
Variant type: Deletion.
Coding change: c.*47_*49del on transcript NM_001429.4 (MANE Select); 47 bases downstream of the stop codon through 49 bases downstream of the stop codon, 3 bases deleted (CAA; older notation c.*47_*49delCAA).
Molecular consequence: 3 prime UTR variant.
Genome position (GRCh38, 1-based): chr22:41,179,003-41,179,005, CAA deleted; deleting any 3 consecutive bases within chr22:41,179,001-41,179,005 gives the same sequence; the c. name uses the placement nearest the transcript's 3' end. VCF-style (leftmost placement, unchanged base first): chr22-41179000-TAAC-T. GRCh37 (hg19) VCF-style: chr22-41575004-TAAC-T.
Other names: c.*47_*49del (NM_001362843.2).
Identifiers: ClinVar variation 2653220 (VCV002653220.24), dbSNP rs777517355, ClinGen allele CA10254088.

ClinVar aggregate classification (germline): Benign (1 of 4 stars; one submission).

Submission:

CeGaT Center for Human Genetics Tuebingen
Classification: Benign. Last evaluated: 2023-11-01. Review status: criteria provided, single submitter. Criteria: CeGaT Center For Human Genetics Tuebingen Variant Classification Criteria Version 2. Collection method: clinical testing. Allele origin: germline. Affected: yes. Observed: 2 variant alleles.
Comment: EP300: BS1, BS2